The following is an entry in ClinVar:

NM_004525.3(LRP2):c.11881G>C (p.Gly3961Arg)

Gene: LRP2 (LDL receptor related protein 2; minus strand). Cytogenetic location: 2q31.1.
Variant type: single nucleotide variant.
Coding change: c.11881G>C on transcript NM_004525.3 (MANE Select); coding-DNA position 11881, G replaced by C.
Protein change: p.Gly3961Arg; replaces glycine 3961 with arginine.
Molecular consequence: missense variant.
Genome position (GRCh38, 1-based): chr2:169,162,478, C>G on the plus strand (G>C on the coding strand, the complement: LRP2 is on the minus strand). VCF-style: chr2-169162478-C-G. GRCh37 (hg19) VCF-style: chr2-170018988-C-G.
Other names: short protein forms G3961R.
Identifiers: ClinVar variation 4882002 (VCV004882002.2).

ClinVar aggregate classification (germline): Uncertain significance (1 of 4 stars; one submission).

Submission:

Dasa
Classification: Uncertain significance. Last evaluated: 2026-03-19. Review status: criteria provided, single submitter. Criteria: DASA Assertion Criteria. Collection method: clinical testing. Allele origin: germline.
Comment: NM_004525.3(LRP2):c.11881G>C (p.Gly3961Arg) is a missense variant that results in the substitution of glycine with arginine. This variant is rare in population databases. Computational prediction algorithms are consistent with a deleterious effect. The currently available literature and clinical evidence are not sufficient to establish a definitive association between this variant and the reported condition. Therefore, this variant is classified as a variant of uncertain significance.